The following is an entry in ClinVar:

NM_004655.4(AXIN2):c.2471A>T (p.Asp824Val)

Gene: AXIN2 (axin 2; minus strand). Cytogenetic location: 17q24.1.
Variant type: single nucleotide variant.
Coding change: c.2471A>T on transcript NM_004655.4 (MANE Select); coding-DNA position 2471, A replaced by T.
Protein change: p.Asp824Val; replaces aspartic acid 824 with valine.
Molecular consequence: missense variant.
Genome position (GRCh38, 1-based): chr17:65,530,037, T>A on the plus strand (A>T on the coding strand, the complement: AXIN2 is on the minus strand). VCF-style: chr17-65530037-T-A. GRCh37 (hg19) VCF-style: chr17-63526155-T-A.
Other names: c.2276A>T, p.Asp759Val (NM_001363813.1); c.2471A>T (NM_004655.3); short protein forms D824V, D759V.
Identifiers: ClinVar variation 1366963 (VCV001366963.7), dbSNP rs2144391264, ClinGen allele CA400674833.

ClinVar aggregate classification (germline): Uncertain significance. Review status: criteria provided, multiple submitters, no conflicts (2 of 4 stars). 2 submissions from 2 submitters: Uncertain significance (2). Last evaluated 2026-07-07.

Conditions:
Hereditary cancer-predisposing syndrome. Also called: Hereditary Cancer Syndrome; Neoplastic Syndromes, Hereditary; Hereditary neoplastic syndrome; Tumor predisposition. Identifiers: Orphanet 140162, MedGen C0027672, MeSH D009386, MONDO:0015356.
Oligodontia-cancer predisposition syndrome. Also called: TOOTH AGENESIS-COLORECTAL CANCER SYNDROME. Identifiers: Orphanet 300576, MedGen C1837750, MONDO:0012075, OMIM 608615. Disease mechanism: loss of function.

Submissions (2):

Ambry Genetics
Classification: Uncertain significance for Hereditary cancer-predisposing syndrome. Last evaluated: 2026-07-07. Review status: criteria provided, single submitter. Criteria: Ambry Variant Classification Scheme 2023. Collection method: clinical testing. Allele origin: germline.
Comment: The p.D824V variant (also known as c.2471A>T), located in coding exon 10 of the AXIN2 gene, results from an A to T substitution at nucleotide position 2471. The aspartic acid at codon 824 is replaced by valine, an amino acid with highly dissimilar properties. This amino acid position is conserved. In addition, this alteration is predicted to be deleterious by in silico analysis. Based on the available evidence, the clinical significance of this variant remains unclear.

Labcorp Genetics (formerly Invitae), Labcorp
Classification: Uncertain significance for Oligodontia-cancer predisposition syndrome. Last evaluated: 2024-01-02. Review status: criteria provided, single submitter. Criteria: Invitae Variant Classification Sherloc (09022015). Collection method: clinical testing. Allele origin: germline.
Comment: This sequence change replaces aspartic acid, which is acidic and polar, with valine, which is neutral and non-polar, at codon 824 of the AXIN2 protein (p.Asp824Val). This variant is not present in population databases (gnomAD no frequency). This variant has not been reported in the literature in individuals affected with AXIN2-related conditions. ClinVar contains an entry for this variant (Variation ID: 1366963). Advanced modeling of protein sequence and biophysical properties (such as structural, functional, and spatial information, amino acid conservation, physicochemical variation, residue mobility, and thermodynamic stability) performed at Invitae indicates that this missense variant is expected to disrupt AXIN2 protein function with a positive predictive value of 80%. In summary, the available evidence is currently insufficient to determine the role of this variant in disease. Therefore, it has been classified as a Variant of Uncertain Significance.